The following is an entry in ClinVar:

ClinVar aggregate classification (germline): Uncertain significance (1 of 4 stars; one submission).

Conditions:
Ataxia-telangiectasia syndrome (AT). Also called: ATAXIA-TELANGIECTASIA, COMPLEMENTATION GROUP A; ATAXIA-TELANGIECTASIA, FRESNO VARIANT; LOUIS-BAR SYNDROME; Ataxia-telangiectasia, complementation group D; Ataxia-telangiectasia, complementation group E; Cerebello-oculocutaneous telangiectasia. Identifiers: Orphanet 100, MedGen C0004135, MONDO:0008840, OMIM 208900.

Submission:

Labcorp Genetics (formerly Invitae), Labcorp
Classification: Uncertain significance for Ataxia-telangiectasia syndrome. Last evaluated: 2024-03-03. Review status: criteria provided, single submitter. Criteria: Invitae Variant Classification Sherloc (09022015). Collection method: clinical testing. Allele origin: germline.
Comment: This sequence change replaces isoleucine, which is neutral and non-polar, with valine, which is neutral and non-polar, at codon 1343 of the ATM protein (p.Ile1343Val). This variant is not present in population databases (gnomAD no frequency). This variant has not been reported in the literature in individuals affected with ATM-related conditions. An algorithm developed to predict the effect of missense changes on protein structure and function (PolyPhen-2) suggests that this variant is likely to be disruptive. In summary, the available evidence is currently insufficient to determine the role of this variant in disease. Therefore, it has been classified as a Variant of Uncertain Significance.

NM_000051.4(ATM):c.4027A>G (p.Ile1343Val)

Gene: ATM (ATM serine/threonine kinase; plus strand). Cytogenetic location: 11q22.3.
Variant type: single nucleotide variant.
Coding change: c.4027A>G on transcript NM_000051.4 (MANE Select); coding-DNA position 4027, A replaced by G.
Protein change: p.Ile1343Val; replaces isoleucine 1343 with valine.
Molecular consequence: missense variant.
Genome position (GRCh38, 1-based): chr11:108,287,633, A>G. VCF-style: chr11-108287633-A-G. GRCh37 (hg19) VCF-style: chr11-108158360-A-G.
Other names: c.4027A>G, p.Ile1343Val (NM_001351834.2); short protein forms I1343V.
Identifiers: ClinVar variation 3644253 (VCV003644253.2).
Genomic context (GRCh38, chr11:108,287,633, plus strand): 5'-ATATATTTTAATTTTGTGCCCTTGCAGATTGATCACTTATTCATTAGTAATTTACCAGAG[A>G]TTGTGGTGGAGTTATTGATGACGTTACATGAGCCAGCAAATTCTAGTGCCAGTCAGAGCA-3'
Protein context (NP_000042.3, residues 1333-1353): DHLFISNLPE[Ile1343Val]VVELLMTLHE